The following is an entry in ClinVar:

ClinVar aggregate classification (germline): Uncertain significance (1 of 4 stars; one submission).

Conditions:
Joubert syndrome. Also called: CEREBELLOPARENCHYMAL DISORDER IV; JOUBERT-BOLTSHAUSER SYNDROME; Familial aplasia of the vermis. Identifiers: Orphanet 475, MedGen C5979921, MONDO:0018772.
Meckel-Gruber syndrome. Also called: DYSENCEPHALIA SPLANCHNOCYSTICA; GRUBER SYNDROME; Dysencephalia splachnocystica. Identifiers: Orphanet 564, MedGen C0265215, MONDO:0018921.

Allele frequency attached by ClinVar (database versions not stated): gnomAD exomes below 0.00001; gnomAD 0.00001; 1000 Genomes Project 30x 0.00016; 1000 Genomes Project 0.00020.

Submission:

Labcorp Genetics (formerly Invitae), Labcorp
Classification: Uncertain significance for Joubert syndrome; Meckel-Gruber syndrome. Last evaluated: 2021-08-24. Review status: criteria provided, single submitter. Criteria: Invitae Variant Classification Sherloc (09022015). Collection method: clinical testing. Allele origin: germline.
Comment: This sequence change replaces methionine with lysine at codon 11 of the TMEM67 protein (p.Met11Lys). The methionine residue is weakly conserved and there is a moderate physicochemical difference between methionine and lysine. This variant is not present in population databases (ExAC no frequency). This variant has not been reported in the literature in individuals affected with TMEM67-related conditions. Advanced modeling of protein sequence and biophysical properties (such as structural, functional, and spatial information, amino acid conservation, physicochemical variation, residue mobility, and thermodynamic stability) performed at Invitae indicates that this missense variant is expected to disrupt TMEM67 protein function. In summary, the available evidence is currently insufficient to determine the role of this variant in disease. Therefore, it has been classified as a Variant of Uncertain Significance.

NM_153704.6(TMEM67):c.32T>A (p.Met11Lys)

Gene: TMEM67 (transmembrane protein 67; plus strand). Cytogenetic location: 8q22.1.
Variant type: single nucleotide variant.
Coding change: c.32T>A on transcript NM_153704.6 (MANE Select); coding-DNA position 32, T replaced by A.
Protein change: p.Met11Lys; replaces methionine 11 with lysine.
Molecular consequence: missense variant. On other transcripts: non-coding transcript variant (1), intron variant (1).
Genome position (GRCh38, 1-based): chr8:93,754,946, T>A. VCF-style: chr8-93754946-T-A. GRCh37 (hg19) VCF-style: chr8-94767174-T-A.
Other names: c.-180+37T>A (NM_001142301.1); short protein forms M11K.
Identifiers: ClinVar variation 1425374 (VCV001425374.5), dbSNP rs544982647, ClinGen allele CA181304074.